The following is an entry in ClinVar:

ClinVar aggregate classification (germline): Uncertain significance (1 of 4 stars; one submission).

Conditions:
Neurofibromatosis, type 1 (NF1). Also called: NEUROFIBROMATOSIS, TYPE I, SOMATIC; VON RECKLINGHAUSEN DISEASE; Neurofibromatosis, type I; Peripheral type neurofibromatosis. Identifiers: Orphanet 636, MedGen C0027831, MONDO:0018975, OMIM 162200. Disease mechanism: loss of function.

Submission:

Labcorp Genetics (formerly Invitae), Labcorp
Classification: Uncertain significance for Neurofibromatosis, type 1. Last evaluated: 2021-06-19. Review status: criteria provided, single submitter. Criteria: Invitae Variant Classification Sherloc (09022015). Collection method: clinical testing. Allele origin: germline.
Comment: This sequence change replaces alanine with lysine at codon 545 of the NF1 protein (p.Ala545Lys). The alanine residue is highly conserved and there is a moderate physicochemical difference between alanine and lysine. The frequency data for this variant in the population databases is not available, as this variant may be reported as separate entries in the ExAC database. This variant has not been reported in the literature in individuals with NF1-related conditions. Algorithms developed to predict the effect of missense changes on protein structure and function are either unavailable or do not agree on the potential impact of this missense change (SIFT: "Not Available"; PolyPhen-2: "Probably Damaging"; Align-GVGD: "Not Available"). In summary, the available evidence is currently insufficient to determine the role of this variant in disease. Therefore, it has been classified as a Variant of Uncertain Significance.

NM_001042492.3(NF1):c.1633_1634delinsAA (p.Ala545Lys)

Gene: NF1 (neurofibromin 1; plus strand). Cytogenetic location: 17q11.2.
Variant type: Indel.
Coding change: c.1633_1634delinsAA on transcript NM_001042492.3 (MANE Select); coding-DNA positions 1633 to 1634, GC replaced by AA.
Protein change: p.Ala545Lys; replaces alanine 545 with lysine.
Molecular consequence: missense variant.
Genome position (GRCh38, 1-based): chr17:31,219,110-31,219,111, GC replaced by AA. VCF-style: chr17-31219110-GC-AA. GRCh37 (hg19) VCF-style: chr17-29546128-GC-AA.
Other names: c.1633_1634delGCinsAA, p.Ala545Lys (NM_000267.4); c.1633_1634delinsAA, p.Ala545Lys (NM_001128147.3); short protein forms A545K.
Identifiers: ClinVar variation 1362343 (VCV001362343.6), dbSNP rs2143987303, ClinGen allele CA2573153217.